The following is an entry in ClinVar:

NM_000159.4(GCDH):c.747del (p.Ile250fs)

Gene: GCDH (glutaryl-CoA dehydrogenase; plus strand). Cytogenetic location: 19p13.13.
Variant type: Deletion.
Coding change: c.747del on transcript NM_000159.4 (MANE Select); coding-DNA position 747, one base deleted (G; older notation c.747delG).
Protein change: p.Ile250fs; shifts the reading frame from isoleucine 250.
Molecular consequence: frameshift variant. On other transcripts: non-coding transcript variant (2).
Genome position (GRCh38, 1-based): chr19:12,896,316, G deleted; the last of 2 consecutive G bases (chr19:12,896,315-12,896,316); deleting either gives the same sequence. VCF-style (leftmost placement, unchanged base first): chr19-12896314-AG-A. GRCh37 (hg19) VCF-style: chr19-13007128-AG-A.
Other names: c.747del, p.Ile250fs (NM_013976.5); short protein forms I250fs.
Identifiers: ClinVar variation 2128963 (VCV002128963.4), dbSNP rs2512573580, ClinGen allele CA2580096523.

ClinVar aggregate classification (germline): Pathogenic (1 of 4 stars; one submission).

Conditions:
Glutaric aciduria, type 1. Also called: Glutaric Acidemia Type 1; Glutaricaciduria, type I; GA I; Glutaric acidemia type I; Glutaricacidemia Type 1; Glutaryl-CoA dehydrogenase deficiency. Identifiers: Orphanet 25, MedGen C0268595, MONDO:0009281, OMIM 231670.

Submission:

Labcorp Genetics (formerly Invitae), Labcorp
Classification: Pathogenic for Glutaric aciduria, type 1. Last evaluated: 2022-04-21. Review status: criteria provided, single submitter. Criteria: Invitae Variant Classification Sherloc (09022015). Collection method: clinical testing. Allele origin: germline.
Comment: For these reasons, this variant has been classified as Pathogenic. This variant has not been reported in the literature in individuals affected with GCDH-related conditions. This variant is not present in population databases (gnomAD no frequency). This sequence change creates a premature translational stop signal (p.Ile250Serfs*14) in the GCDH gene. It is expected to result in an absent or disrupted protein product. Loss-of-function variants in GCDH are known to be pathogenic (PMID: 10699052, 11854167, 16602100).

Literature cited by the submitters: PubMed 10699052; PubMed 11854167; PubMed 16602100.